The following is an entry in ClinVar:

NC_000010.10:g.(?_68138890)_(68381562_?)del

Gene: CTNNA3 (catenin alpha 3; minus strand). Cytogenetic location: 10q21.3.
Variant type: Deletion.
Identifiers: ClinVar variation 3244911 (VCV003244911.1).

ClinVar aggregate classification (germline): Uncertain significance (1 of 4 stars; one submission).

Conditions:
Arrhythmogenic right ventricular dysplasia 13. Also called: ARRHYTHMOGENIC RIGHT VENTRICULAR CARDIOMYOPATHY 13; Arrhythmogenic right ventricular dysplasia, familial, 13. Identifiers: MedGen C3810138, MONDO:0000908, OMIM 615616.

Submission:

Labcorp Genetics (formerly Invitae), Labcorp
Classification: Uncertain significance for Arrhythmogenic right ventricular dysplasia 13. Last evaluated: 2023-01-27. Review status: criteria provided, single submitter. Criteria: Invitae Variant Classification Sherloc (09022015). Collection method: clinical testing. Allele origin: unknown.
Comment: In summary, the available evidence is currently insufficient to determine the role of this variant in disease. Therefore, it has been classified as a Variant of Uncertain Significance. This variant has not been reported in the literature in individuals affected with CTNNA3-related conditions. This variant is a gross deletion of the genomic region encompassing exon(s) 10-12 of the CTNNA3 gene. This deletion is out-of-frame, and is expected to create a premature translational stop signal and result in an absent or disrupted protein product. However, the current clinical and genetic evidence is not sufficient to establish whether loss-of-function variants in CTNNA3 cause disease.